The following is an entry in ClinVar:

ClinVar aggregate classification (germline): Conflicting classifications of pathogenicity. Review status: criteria provided, conflicting classifications (1 of 4 stars). 5 submissions from 5 submitters: Uncertain significance (1); Likely benign (4). Last evaluated 2026-04-01.

Conditions:
Inborn genetic diseases. Identifiers: MedGen C0950123, MeSH D030342.

Submissions (5):

CeGaT Center for Human Genetics Tuebingen
Classification: Likely benign. Last evaluated: 2026-04-01. Review status: criteria provided, single submitter. Criteria: CeGaT Center For Human Genetics Tuebingen Variant Classification Criteria Version 2. Collection method: clinical testing. Allele origin: germline. Affected: yes. Observed: 2 variant alleles.
Comment: CC2D1A: BP4

Labcorp Genetics (formerly Invitae), Labcorp
Classification: Likely benign. Last evaluated: 2026-02-02. Review status: criteria provided, single submitter. Criteria: Invitae Variant Classification Sherloc (09022015). Collection method: clinical testing. Allele origin: germline.

Blueprint Genetics
Classification: Likely benign. Last evaluated: 2024-11-13. Review status: criteria provided, single submitter. Criteria: ACMG Guidelines, 2015. Collection method: clinical testing. Allele origin: germline.

Ambry Genetics
Classification: Likely benign for Inborn genetic diseases. Last evaluated: 2021-05-20. Review status: criteria provided, single submitter. Criteria: Ambry Variant Classification Scheme 2023. Collection method: clinical testing. Allele origin: germline.

Genetic Services Laboratory, University of Chicago
Classification: Uncertain significance. Last evaluated: 2013-07-17. Review status: criteria provided, single submitter. Criteria: ACMG Guidelines, 2007. Collection method: clinical testing. Allele origin: germline. Inheritance: Autosomal recessive inheritance.

NM_017721.5(CC2D1A):c.513+6_513+12del

Gene: CC2D1A (coiled-coil and C2 domain containing 1A; plus strand). Cytogenetic location: 19p13.12.
Variant type: Deletion.
Coding change: c.513+6_513+12del on transcript NM_017721.5 (MANE Select); bases 6 to 12 of the intron after coding-DNA position 513, 7 bases deleted (TGGGCAG; older notation c.513+6_513+12delTGGGCAG).
Molecular consequence: intron variant.
Genome position (GRCh38, 1-based): chr19:13,913,308-13,913,314, TGGGCAG deleted; deleting any 7 consecutive bases within chr19:13,913,306-13,913,314 gives the same sequence; the c. name uses the placement nearest the transcript's 3' end. VCF-style (leftmost placement, unchanged base first): chr19-13913305-AAGTGGGC-A. GRCh37 (hg19) VCF-style: chr19-14024118-AAGTGGGC-A.
Other names: c.513+6_513+12delTGGGCAG (NM_017721.4).
Identifiers: ClinVar variation 128612 (VCV000128612.35), dbSNP rs541952457, ClinGen allele CA230955.